The following is an entry in ClinVar:

ClinVar aggregate classification (germline): Uncertain significance. Review status: criteria provided, multiple submitters, no conflicts (2 of 4 stars). 3 submissions from 3 submitters: Uncertain significance (3). Last evaluated 2026-04-13.

Conditions:
Hereditary cancer-predisposing syndrome. Also called: Neoplastic Syndromes, Hereditary; Tumor predisposition; Hereditary Cancer Syndrome; Hereditary neoplastic syndrome. Identifiers: Orphanet 140162, MedGen C0027672, MeSH D009386, MONDO:0015356.
Familial adenomatous polyposis 1 (FAP1). Also called: FAMILIAL ADENOMATOUS POLYPOSIS 1, ATTENUATED; POLYPOSIS, ADENOMATOUS INTESTINAL. Identifiers: MedGen C2713442, MONDO:0021056, OMIM 175100. Disease mechanism: loss of function.

Submissions (3):

Ambry Genetics
Classification: Uncertain significance for Hereditary cancer-predisposing syndrome. Last evaluated: 2026-04-13. Review status: criteria provided, single submitter. Criteria: Ambry Variant Classification Scheme 2023. Collection method: clinical testing. Allele origin: germline.
Comment: The p.I1121V variant (also known as c.3361A>G), located in coding exon 15 of the APC gene, results from an A to G substitution at nucleotide position 3361. The isoleucine at codon 1121 is replaced by valine, an amino acid with highly similar properties. This amino acid position is conserved. In addition, in silico predictors for this gene do not accurately predict pathogenicity. Based on the available evidence, the clinical significance of this variant remains unclear.

Labcorp Genetics (formerly Invitae), Labcorp
Classification: Uncertain significance for Familial adenomatous polyposis 1. Last evaluated: 2025-01-08. Review status: criteria provided, single submitter. Criteria: Invitae Variant Classification Sherloc (09022015). Collection method: clinical testing. Allele origin: germline.
Comment: This sequence change replaces isoleucine, which is neutral and non-polar, with valine, which is neutral and non-polar, at codon 1121 of the APC protein (p.Ile1121Val). This variant is not present in population databases (gnomAD no frequency). This variant has not been reported in the literature in individuals affected with APC-related conditions. ClinVar contains an entry for this variant (Variation ID: 1171980). Invitae Evidence Modeling of protein sequence and biophysical properties (such as structural, functional, and spatial information, amino acid conservation, physicochemical variation, residue mobility, and thermodynamic stability) indicates that this missense variant is not expected to disrupt APC protein function with a negative predictive value of 95%. In summary, the available evidence is currently insufficient to determine the role of this variant in disease. Therefore, it has been classified as a Variant of Uncertain Significance.

Color Diagnostics, LLC DBA Color Health
Classification: Uncertain significance for Hereditary cancer-predisposing syndrome. Last evaluated: 2024-04-15. Review status: criteria provided, single submitter. Criteria: ACMG Guidelines, 2015. Collection method: clinical testing. Allele origin: germline.
Comment: This missense variant replaces isoleucine with valine at codon 1121 of the APC protein. Computational prediction suggests that this variant may not impact protein structure and function (internally defined REVEL score threshold <= 0.5, PMID: 27666373). To our knowledge, functional studies have not been reported for this variant. This variant has not been reported in individuals affected with APC-related disorders in the literature. This variant has not been identified in the general population by the Genome Aggregation Database (gnomAD). The available evidence is insufficient to determine the role of this variant in disease conclusively. Therefore, this variant is classified as a Variant of Uncertain Significance.

NM_000038.6(APC):c.3361A>G (p.Ile1121Val)

Gene: APC (APC regulator of Wnt signaling pathway; plus strand). Cytogenetic location: 5q22.2.
Variant type: single nucleotide variant.
Coding change: c.3361A>G on transcript NM_000038.6 (MANE Select); coding-DNA position 3361, A replaced by G.
Protein change: p.Ile1121Val; replaces isoleucine 1121 with valine.
Molecular consequence: missense variant.
Genome position (GRCh38, 1-based): chr5:112,838,955, A>G. VCF-style: chr5-112838955-A-G. GRCh37 (hg19) VCF-style: chr5-112174652-A-G.
Other names: c.3361A>G, p.Ile1121Val (NM_001127510.3, NM_001354895.2); c.3307A>G, p.Ile1103Val (NM_001127511.3); c.3415A>G, p.Ile1139Val (NM_001354896.2); c.3391A>G, p.Ile1131Val (NM_001354897.2); c.3286A>G, p.Ile1096Val (NM_001354898.2); c.3277A>G, p.Ile1093Val (NM_001354899.2); c.3238A>G, p.Ile1080Val (NM_001354900.2); c.3184A>G, p.Ile1062Val (NM_001354901.2); and 5 more; short protein forms I1020V, I1030V, I1062V, I1080V, I1093V, I1096V, I1103V, I1121V.
Identifiers: ClinVar variation 1171980 (VCV001171980.6), dbSNP rs2149890341, ClinGen allele CA16028695.
Genomic context (GRCh38, chr5:112,838,955, plus strand): 5'-CCATACAGGTCACGGGGAGCCAATGGTTCAGAAACAAATCGAGTGGGTTCTAATCATGGA[A>G]TTAATCAAAATGTAAGCCAGTCTTTGTGTCAAGAAGATGACTATGAAGATGATAAGCCTA-3'
Protein context (NP_000029.2, residues 1111-1131): ETNRVGSNHG[Ile1121Val]NQNVSQSLCQ